The following is an entry in ClinVar:

ClinVar aggregate classification (germline): Uncertain significance (1 of 4 stars; one submission).

Conditions:
Familial cold autoinflammatory syndrome 3 (FCAS3). Also called: FAMILIAL ATYPICAL COLD URTICARIA; ANTIBODY DEFICIENCY AND IMMUNE DYSREGULATION, PLCG2-ASSOCIATED. Identifiers: Orphanet 300359, MedGen C3280914, MONDO:0013766, OMIM 614468.

gnomAD v4.1: 2 of 1,613,840 alleles (0.00012%); highest among the groups gnomAD compares: East Asian, 0.0022%; no homozygotes.

Submission:

Labcorp Genetics (formerly Invitae), Labcorp
Classification: Uncertain significance for Familial cold autoinflammatory syndrome 3. Last evaluated: 2025-08-18. Review status: criteria provided, single submitter. Criteria: Invitae Variant Classification Sherloc (09022015). Collection method: clinical testing. Allele origin: germline.
Comment: This sequence change replaces asparagine, which is neutral and polar, with lysine, which is basic and polar, at codon 868 of the PLCG2 protein (p.Asn868Lys). This variant is not present in population databases (gnomAD no frequency). This variant has not been reported in the literature in individuals affected with PLCG2-related conditions. An algorithm developed to predict the effect of missense changes on protein structure and function (PolyPhen-2) suggests that this variant is likely to be tolerated. In summary, the available evidence is currently insufficient to determine the role of this variant in disease. Therefore, it has been classified as a Variant of Uncertain Significance.

NM_002661.5(PLCG2):c.2604C>G (p.Asn868Lys)

Gene: PLCG2 (phospholipase C gamma 2; plus strand). Cytogenetic location: 16q23.3.
Variant type: single nucleotide variant.
Coding change: c.2604C>G on transcript NM_002661.5 (MANE Select); coding-DNA position 2604, C replaced by G.
Protein change: p.Asn868Lys; replaces asparagine 868 with lysine.
Molecular consequence: missense variant.
Genome position (GRCh38, 1-based): chr16:81,931,519, C>G. VCF-style: chr16-81931519-C-G. GRCh37 (hg19) VCF-style: chr16-81965124-C-G.
Other names: c.2604C>G, p.Asn868Lys (NM_001425749.1, NM_001425750.1, NM_001425751.1); short protein forms N868K.
Identifiers: ClinVar variation 4710518 (VCV004710518.1).